The following is an entry in ClinVar:

ClinVar aggregate classification (germline): Uncertain significance (1 of 4 stars; one submission).

Conditions:
Hereditary spastic paraplegia 11. Also called: Spastic Paraplegia 11; Spastic paraplegia, mental retardation and thin corpus callosum; Nakamura Osame syndrome; Autosomal recessive hereditary spastic paraplegia, mental impairment, and thin corpus callosum; SPASTIC PARAPLEGIA, AUTOSOMAL RECESSIVE, COMPLICATED, WITH THIN CORPUS CALLOSUM; SPASTIC PARAPLEGIA, AUTOSOMAL RECESSIVE, WITH MENTAL IMPAIRMENT AND THIN CORPUS CALLOSUM. Identifiers: Orphanet 2822, MedGen C1858479, MONDO:0011445, OMIM 604360.

Allele frequency attached by ClinVar (database versions not stated): ExAC 0.00001.
gnomAD v4.1: 4 of 1,612,678 alleles (0.00025%); highest among the groups gnomAD compares: Admixed American, 0.0067%; no homozygotes.

Submission:

Labcorp Genetics (formerly Invitae), Labcorp
Classification: Uncertain significance for Hereditary spastic paraplegia 11. Last evaluated: 2024-10-24. Review status: criteria provided, single submitter. Criteria: Invitae Variant Classification Sherloc (09022015). Collection method: clinical testing. Allele origin: germline.
Comment: This sequence change replaces leucine, which is neutral and non-polar, with methionine, which is neutral and non-polar, at codon 152 of the SPG11 protein (p.Leu152Met). This variant is present in population databases (rs762866477, gnomAD 0.009%). This variant has not been reported in the literature in individuals affected with SPG11-related conditions. ClinVar contains an entry for this variant (Variation ID: 2055733). An algorithm developed to predict the effect of missense changes on protein structure and function (PolyPhen-2) suggests that this variant is likely to be tolerated. In summary, the available evidence is currently insufficient to determine the role of this variant in disease. Therefore, it has been classified as a Variant of Uncertain Significance.

NM_025137.4(SPG11):c.454T>A (p.Leu152Met)

Gene: SPG11 (SPG11 vesicle trafficking associated, spatacsin; minus strand). Cytogenetic location: 15q21.1.
Variant type: single nucleotide variant.
Coding change: c.454T>A on transcript NM_025137.4 (MANE Select); coding-DNA position 454, T replaced by A.
Protein change: p.Leu152Met; replaces leucine 152 with methionine.
Molecular consequence: missense variant.
Genome position (GRCh38, 1-based): chr15:44,659,292, A>T on the plus strand (T>A on the coding strand, the complement: SPG11 is on the minus strand). VCF-style: chr15-44659292-A-T. GRCh37 (hg19) VCF-style: chr15-44951490-A-T.
Other names: c.454T>A, p.Leu152Met (NM_001160227.2, NM_001411132.1); short protein forms L152M.
Identifiers: ClinVar variation 2055733 (VCV002055733.4), dbSNP rs762866477, ClinGen allele CA7535816.